The following is an entry in ClinVar:

NM_003151.4(STAT4):c.1368T>G (p.Asn456Lys)

Gene: STAT4 (signal transducer and activator of transcription 4; minus strand). Cytogenetic location: 2q32.2.
Variant type: single nucleotide variant.
Coding change: c.1368T>G on transcript NM_003151.4 (MANE Select); coding-DNA position 1368, T replaced by G.
Protein change: p.Asn456Lys; replaces asparagine 456 with lysine.
Molecular consequence: missense variant.
Genome position (GRCh38, 1-based): chr2:191,039,265, A>C on the plus strand (T>G on the coding strand, the complement: STAT4 is on the minus strand). VCF-style: chr2-191039265-A-C. GRCh37 (hg19) VCF-style: chr2-191903991-A-C.
Other names: c.1368T>G, p.Asn456Lys (NM_001243835.2); short protein forms N456K.
Identifiers: ClinVar variation 1446613 (VCV001446613.8), dbSNP rs778632183, ClinGen allele CA349911002.

ClinVar aggregate classification (germline): Uncertain significance (1 of 4 stars; one submission).

Submission:

Labcorp Genetics (formerly Invitae), Labcorp
Classification: Uncertain significance. Last evaluated: 2021-04-09. Review status: criteria provided, single submitter. Criteria: Invitae Variant Classification Sherloc (09022015). Collection method: clinical testing. Allele origin: germline.
Comment: This sequence change replaces asparagine with lysine at codon 456 of the STAT4 protein (p.Asn456Lys). The asparagine residue is highly conserved and there is a moderate physicochemical difference between asparagine and lysine. This variant is not present in population databases (ExAC no frequency). This variant has not been reported in the literature in individuals with STAT4-related conditions. Algorithms developed to predict the effect of missense changes on protein structure and function are either unavailable or do not agree on the potential impact of this missense change (SIFT: "Deleterious"; PolyPhen-2: "Probably Damaging"; Align-GVGD: "Class C0"). Algorithms developed to predict the effect of sequence changes on RNA splicing suggest that this variant may create or strengthen a splice site, but this prediction has not been confirmed by published transcriptional studies. In summary, the available evidence is currently insufficient to determine the role of this variant in disease. Therefore, it has been classified as a Variant of Uncertain Significance.